The following is an entry in ClinVar:

NM_005591.4(MRE11):c.118C>A (p.Leu40Ile)

Gene: MRE11 (MRE11 double strand break repair nuclease; minus strand). Cytogenetic location: 11q21.
Variant type: single nucleotide variant.
Coding change: c.118C>A on transcript NM_005591.4 (MANE Select); coding-DNA position 118, C replaced by A.
Protein change: p.Leu40Ile; replaces leucine 40 with isoleucine.
Molecular consequence: missense variant.
Genome position (GRCh38, 1-based): chr11:94,490,868, G>T on the plus strand (C>A on the coding strand, the complement: MRE11 is on the minus strand). VCF-style: chr11-94490868-G-T. GRCh37 (hg19) VCF-style: chr11-94224034-G-T.
Other names: c.118C>A, p.Leu40Ile (NM_001330347.2, NM_005590.4); short protein forms L40I.
Identifiers: ClinVar variation 2446998 (VCV002446998.2), dbSNP rs1947265336, ClinGen allele CA382380700.

ClinVar aggregate classification (germline): Uncertain significance (1 of 4 stars; one submission).

Conditions:
Hereditary cancer-predisposing syndrome. Also called: Neoplastic Syndromes, Hereditary; Hereditary Cancer Syndrome; Tumor predisposition; Hereditary neoplastic syndrome. Identifiers: Orphanet 140162, MedGen C0027672, MeSH D009386, MONDO:0015356.

Submission:

Ambry Genetics
Classification: Uncertain significance for Hereditary cancer-predisposing syndrome. Last evaluated: 2022-11-20. Review status: criteria provided, single submitter. Criteria: Ambry Variant Classification Scheme 2023. Collection method: clinical testing. Allele origin: germline.
Comment: The p.L40I variant (also known as c.118C>A), located in coding exon 2 of the MRE11A gene, results from a C to A substitution at nucleotide position 118. The leucine at codon 40 is replaced by isoleucine, an amino acid with highly similar properties. This amino acid position is conserved. In addition, this alteration is predicted to be tolerated by in silico analysis. Since supporting evidence is limited at this time, the clinical significance of this alteration remains unclear.